The following is an entry in ClinVar:

ClinVar aggregate classification (germline): Uncertain significance. Review status: criteria provided, multiple submitters, no conflicts (2 of 4 stars). 2 submissions from 2 submitters: Uncertain significance (2). Last evaluated 2025-03-19.

Conditions:
Hereditary cancer-predisposing syndrome. Also called: Tumor predisposition; Hereditary neoplastic syndrome; Neoplastic Syndromes, Hereditary; Hereditary Cancer Syndrome. Identifiers: Orphanet 140162, MedGen C0027672, MeSH D009386, MONDO:0015356.
Familial adenomatous polyposis 1 (FAP1). Also called: FAMILIAL ADENOMATOUS POLYPOSIS 1, ATTENUATED; POLYPOSIS, ADENOMATOUS INTESTINAL. Identifiers: MedGen C2713442, MONDO:0021056, OMIM 175100. Disease mechanism: loss of function.

Submissions (2):

Ambry Genetics
Classification: Uncertain significance for Hereditary cancer-predisposing syndrome. Last evaluated: 2025-03-19. Review status: criteria provided, single submitter. Criteria: Ambry Variant Classification Scheme 2023. Collection method: clinical testing. Allele origin: germline.
Comment: The p.E40G variant (also known as c.119A>G), located in coding exon 1 of the APC gene, results from an A to G substitution at nucleotide position 119. The glutamic acid at codon 40 is replaced by glycine, an amino acid with similar properties. This amino acid position is highly conserved in available vertebrate species. In addition, in silico predictors for this gene do not accurately predict pathogenicity. Missense alterations in APC are not a common cause of disease (Spier I et al. Genet Med. 2024 Feb;26(2):100992). Based on the available evidence, the clinical significance of this variant remains unclear.

Labcorp Genetics (formerly Invitae), Labcorp
Classification: Uncertain significance for Familial adenomatous polyposis 1. Last evaluated: 2022-07-21. Review status: criteria provided, single submitter. Criteria: Invitae Variant Classification Sherloc (09022015). Collection method: clinical testing. Allele origin: germline.
Comment: In summary, the available evidence is currently insufficient to determine the role of this variant in disease. Therefore, it has been classified as a Variant of Uncertain Significance. Algorithms developed to predict the effect of missense changes on protein structure and function are either unavailable or do not agree on the potential impact of this missense change (SIFT: "Tolerated"; PolyPhen-2: "Probably Damaging"; Align-GVGD: "Class C0"). ClinVar contains an entry for this variant (Variation ID: 1361948). This variant has not been reported in the literature in individuals affected with APC-related conditions. This variant is not present in population databases (gnomAD no frequency). This sequence change replaces glutamic acid, which is acidic and polar, with glycine, which is neutral and non-polar, at codon 40 of the APC protein (p.Glu40Gly).

NM_000038.6(APC):c.119A>G (p.Glu40Gly)

Gene: APC (APC regulator of Wnt signaling pathway; plus strand). Cytogenetic location: 5q22.2.
Variant type: single nucleotide variant.
Coding change: c.119A>G on transcript NM_000038.6 (MANE Select); coding-DNA position 119, A replaced by G.
Protein change: p.Glu40Gly; replaces glutamic acid 40 with glycine.
Molecular consequence: missense variant. On other transcripts: 5 prime UTR variant (1), intron variant (8).
Genome position (GRCh38, 1-based): chr5:112,755,009, A>G. VCF-style: chr5-112755009-A-G. GRCh37 (hg19) VCF-style: chr5-112090706-A-G.
Other names: c.119A>G, p.Glu40Gly (NM_001127510.3, NM_001354895.2, NM_001354896.2 and 2 more transcripts); c.-917A>G (NM_001354906.2); c.166-11317A>G (NM_001354897.2, NM_001354902.2, NM_001127511.3); c.61-11317A>G (NM_001354898.2, NM_001354904.2); c.-42-11317A>G (NM_001354900.2, NM_001354901.2, NM_001354905.2); c.119A>G (NM_000038.5); short protein forms E40G.
Identifiers: ClinVar variation 1361948 (VCV001361948.9), dbSNP rs2149738709, ClinGen allele CA16021602.